The following is an entry in ClinVar:

ClinVar aggregate classification (germline): Uncertain significance (1 of 4 stars; one submission).

Allele frequency attached by ClinVar (database versions not stated): gnomAD exomes below 0.00001; gnomAD 0.00003; TOPMed 0.00007.

Submission:

GeneDx
Classification: Uncertain significance. Last evaluated: 2019-07-31. Review status: criteria provided, single submitter. Criteria: GeneDx Variant Classification Process June 2021. Collection method: clinical testing. Allele origin: germline. Affected: yes.
Comment: Has not been previously published as pathogenic or benign to our knowledge; In-silico analysis, which includes splice predictors and evolutionary conservation, is inconclusive as to whether the variant alters gene splicing. In the absence of RNA/functional studies, the actual effect of this sequence change is unknown.

NM_001256789.3(CACNA1F):c.1276+39C>A

Gene: CACNA1F (calcium voltage-gated channel subunit alpha1 F; minus strand). Cytogenetic location: Xp11.23.
Variant type: single nucleotide variant.
Coding change: c.1276+39C>A on transcript NM_001256789.3 (MANE Select); 39 bases into the intron after coding-DNA position 1276, C replaced by A.
Molecular consequence: intron variant.
Genome position (GRCh38, 1-based): chrX:49,226,931, G>T on the plus strand (C>A on the coding strand, the complement: CACNA1F is on the minus strand). VCF-style: chrX-49226931-G-T. GRCh37 (hg19) VCF-style: chrX-49083393-G-T.
Other names: c.1309+6C>A (NM_005183.4); c.1114+6C>A (NM_001256790.3).
Identifiers: ClinVar variation 1307087 (VCV001307087.2), dbSNP rs1336441115, ClinGen allele CA641903225.
Genomic context (GRCh38, chrX:49,226,931, plus strand): 5'-GTGGGTCTCAGGAGGGCAGACCACATCTAAGGCATGCAGGGAATGGGCCAGATTGGAGTT[G>T]CCTACGATGGCCCGCCCGGCCCTCTTCAGCCATAGAACCAAGGTTGTCATCGGCGGAGGG-3'